The following is an entry in ClinVar:

ClinVar aggregate classification (germline): Likely pathogenic (1 of 4 stars; one submission).

Conditions:
Neuronal ceroid lipofuscinosis 7 (CLN7). Also called: MFSD8-Related Neuronal Ceroid-Lipofuscinosis. Identifiers: Orphanet 168491, Orphanet 228366, MedGen C1838571, MONDO:0012588, OMIM 610951.

Submission:

Labcorp Genetics (formerly Invitae), Labcorp
Classification: Likely pathogenic for Neuronal ceroid lipofuscinosis 7. Last evaluated: 2022-03-03. Review status: criteria provided, single submitter. Criteria: Invitae Variant Classification Sherloc (09022015). Collection method: clinical testing. Allele origin: germline.
Comment: This sequence change affects an acceptor splice site in intron 11 of the MFSD8 gene. It is expected to disrupt RNA splicing. Variants that disrupt the donor or acceptor splice site typically lead to a loss of protein function (PMID: 16199547), and loss-of-function variants in MFSD8 are known to be pathogenic (PMID: 19177532, 25227500, 28586915). This variant is not present in population databases (gnomAD no frequency). This variant has not been reported in the literature in individuals affected with MFSD8-related conditions. Algorithms developed to predict the effect of sequence changes on RNA splicing suggest that this variant may disrupt the consensus splice site. In summary, the currently available evidence indicates that the variant is pathogenic, but additional data are needed to prove that conclusively. Therefore, this variant has been classified as Likely Pathogenic.

Literature cited by the submitters: PubMed 16199547; PubMed 19177532; PubMed 25227500; PubMed 28586915.

NM_001371596.2(MFSD8):c.1103-2A>T

Gene: MFSD8 (major facilitator superfamily domain containing 8; minus strand). Cytogenetic location: 4q28.2.
Variant type: single nucleotide variant.
Coding change: c.1103-2A>T on transcript NM_001371596.2 (MANE Select); the canonical splice acceptor site of the intron before coding-DNA position 1103, A replaced by T.
Molecular consequence: splice acceptor variant.
Genome position (GRCh38, 1-based): chr4:127,921,773, T>A on the plus strand (A>T on the coding strand, the complement: MFSD8 is on the minus strand). VCF-style: chr4-127921773-T-A. GRCh37 (hg19) VCF-style: chr4-128842928-T-A.
Other names: c.821-2A>T (NM_001371595.1); c.653-2A>T (NM_001410765.1); c.968-2A>T (NM_001371590.2); c.1103-2A>T (NM_152778.4, NM_001371591.2); c.788-2A>T (NM_001363521.3); c.885-2A>T (NM_001410766.1); c.989-2A>T (NM_001371593.2); c.902-2A>T (NM_001363520.3); and 2 more.
Identifiers: ClinVar variation 2101039 (VCV002101039.4), dbSNP rs2546047421, ClinGen allele CA358171557.